The following is an entry in ClinVar:

NM_000551.4(VHL):c.340+834G>C

Genes: VHL (von Hippel-Lindau tumor suppressor; plus strand), LOC107303340 (3p25 von Hippel-Lindau tumor suppressor, E3 ubiquitin protein ligase Alu-mediated recombination region; plus strand). Cytogenetic location: 3p25.3.
Variant type: single nucleotide variant.
Coding change: c.340+834G>C on transcript NM_000551.4 (MANE Select); 834 bases into the intron after coding-DNA position 340, G replaced by C.
Molecular consequence: intron variant. On other transcripts: 3 prime UTR variant (1), non-coding transcript variant (1).
Genome position (GRCh38, 1-based): chr3:10,143,021, G>C. VCF-style: chr3-10143021-G-C. GRCh37 (hg19) VCF-style: chr3-10184705-G-C.
Other names: c.*17G>C (NM_001354723.2); c.340+834G>C (NM_198156.3).
Identifiers: ClinVar variation 2947438 (VCV002947438.3), dbSNP rs2470160403, ClinGen allele CA2740090930.

ClinVar aggregate classification (germline): Uncertain significance (1 of 4 stars; one submission).

Conditions:
Von Hippel-Lindau syndrome (VHLS). Also called: von Hippel–Lindau syndrome; VHL syndrome; Von Hippel-Lindau. Identifiers: Orphanet 892, MedGen C0019562, MONDO:0008667, OMIM 193300. Disease mechanism: loss of function.
Chuvash polycythemia. Also called: POLYCYTHEMIA, VHL-DEPENDENT. Identifiers: Orphanet 238557, MedGen C1837915, MONDO:0009892, OMIM 263400.

Submission:

Labcorp Genetics (formerly Invitae), Labcorp
Classification: Uncertain significance for Von Hippel-Lindau syndrome; Chuvash polycythemia. Last evaluated: 2023-07-09. Review status: criteria provided, single submitter. Criteria: Invitae Variant Classification Sherloc (09022015). Collection method: clinical testing. Allele origin: germline.
Comment: This variant has not been reported in the literature in individuals affected with VHL-related conditions. In summary, the available evidence is currently insufficient to determine the role of this variant in disease. Therefore, it has been classified as a Variant of Uncertain Significance. Studies have shown that this variant is associated with altered splicing resulting in unknown protein product impact (Invitae). This variant is not present in population databases (gnomAD no frequency). This sequence change falls in intron 1 of the VHL gene. It is not expected to change the encoded amino acid sequence of the VHL protein. However, this sequence change falls within a cryptic exon in the VHL gene, known as exon E1’, which is naturally expressed at low levels in several human tissues (PMID: 29891534).

Literature cited by the submitters: PubMed 29891534.